The following is an entry in ClinVar:

NM_205836.3(FBXO38):c.2675G>A (p.Arg892His)

Gene: FBXO38 (F-box protein 38; plus strand). Cytogenetic location: 5q32.
Variant type: single nucleotide variant.
Coding change: c.2675G>A on transcript NM_205836.3 (MANE Select); coding-DNA position 2675, G replaced by A.
Protein change: p.Arg892His; replaces arginine 892 with histidine.
Molecular consequence: missense variant.
Genome position (GRCh38, 1-based): chr5:148,433,445, G>A. VCF-style: chr5-148433445-G-A. GRCh37 (hg19) VCF-style: chr5-147813008-G-A.
Other names: c.1940G>A, p.Arg647His (NM_001271723.2); c.2450G>A, p.Arg817His (NM_030793.5); short protein forms R817H, R647H, R892H.
Identifiers: ClinVar variation 574698 (VCV000574698.12), dbSNP rs183483408, ClinGen allele CA3497568.

ClinVar aggregate classification (germline): Conflicting classifications of pathogenicity. Review status: criteria provided, conflicting classifications (1 of 4 stars). 2 submissions from 2 submitters: Uncertain significance (1); Likely benign (1). Last evaluated 2026-01-11.

Conditions:
Distal hereditary motor neuropathy type 2. Identifiers: Orphanet 139525, MedGen C3711384, MeSH C580044, MONDO:0015352.

Allele frequency attached by ClinVar (database versions not stated): gnomAD exomes 0.00004 and 0.00009; gnomAD 0.00005 and 0.00006; TOPMed 0.00006; ExAC 0.00009; 1000 Genomes Project 30x 0.00016; 1000 Genomes Project 0.00020.
gnomAD v4.1: 69 of 1,612,896 alleles (0.0043%); highest among the groups gnomAD compares: Admixed American, 0.033%; no homozygotes.

Submissions (2):

Labcorp Genetics (formerly Invitae), Labcorp
Classification: Uncertain significance for Distal hereditary motor neuropathy type 2. Last evaluated: 2026-01-11. Review status: criteria provided, single submitter. Criteria: Invitae Variant Classification Sherloc (09022015). Collection method: clinical testing. Allele origin: germline.
Comment: This sequence change replaces arginine, which is basic and polar, with histidine, which is basic and polar, at codon 817 of the FBXO38 protein (p.Arg817His). This variant is present in population databases (rs183483408, gnomAD 0.05%), and has an allele count higher than expected for a pathogenic variant. This variant has not been reported in the literature in individuals affected with FBXO38-related conditions. ClinVar contains an entry for this variant (Variation ID: 574698). An algorithm developed to predict the effect of missense changes on protein structure and function (PolyPhen-2) suggests that this variant is likely to be tolerated. In summary, the available evidence is currently insufficient to determine the role of this variant in disease. Therefore, it has been classified as a Variant of Uncertain Significance.

Ambry Genetics
Classification: Likely benign. Last evaluated: 2022-01-11. Review status: criteria provided, single submitter. Criteria: Ambry Variant Classification Scheme 2023. Collection method: clinical testing. Allele origin: germline.